The following is an entry in ClinVar:

ClinVar aggregate classification (germline): Pathogenic (1 of 4 stars; one submission).

Conditions:
Neurofibromatosis, type 1 (NF1). Also called: VON RECKLINGHAUSEN DISEASE; NEUROFIBROMATOSIS, TYPE I, SOMATIC; Peripheral type neurofibromatosis; Neurofibromatosis, type I. Identifiers: Orphanet 636, MedGen C0027831, MONDO:0018975, OMIM 162200. Disease mechanism: loss of function.

Submission:

Labcorp Genetics (formerly Invitae), Labcorp
Classification: Pathogenic for Neurofibromatosis, type 1. Last evaluated: 2024-11-03. Review status: criteria provided, single submitter. Criteria: Invitae Variant Classification Sherloc (09022015). Collection method: clinical testing. Allele origin: germline.
Comment: This sequence change creates a premature translational stop signal (p.Leu1903Glyfs*2) in the NF1 gene. It is expected to result in an absent or disrupted protein product. Loss-of-function variants in NF1 are known to be pathogenic (PMID: 10712197, 23913538). This variant is not present in population databases (gnomAD no frequency). This variant has not been reported in the literature in individuals affected with NF1-related conditions. Algorithms developed to predict the effect of sequence changes on RNA splicing suggest that this variant may disrupt the consensus splice site. For these reasons, this variant has been classified as Pathogenic.

Literature cited by the submitters: PubMed 10712197; PubMed 23913538.

NM_001042492.3(NF1):c.5769_5770insGG (p.Leu1924fs)

Gene: NF1 (neurofibromin 1; plus strand). Cytogenetic location: 17q11.2.
Variant type: Insertion.
Coding change: c.5769_5770insGG on transcript NM_001042492.3 (MANE Select); coding-DNA positions 5769 to 5770, GG inserted.
Protein change: p.Leu1924fs; shifts the reading frame from leucine 1924.
Molecular consequence: frameshift variant.
Genome position: GRCh38 VCF-style: chr17-31330454-C-CGG. GRCh37 (hg19) VCF-style: chr17-29657472-C-CGG.
Other names: c.5706_5707insGG, p.Leu1903Glyfs (NM_000267.4); short protein forms L1903fs, L1924fs.
Identifiers: ClinVar variation 3724502 (VCV003724502.2).